The following is an entry in ClinVar:

NM_005045.4(RELN):c.9076G>A (p.Val3026Met)

Genes: RELN (reelin; minus strand), SLC26A5-AS1 (SLC26A5 antisense RNA 1; plus strand). Cytogenetic location: 7q22.1.
Variant type: single nucleotide variant.
Coding change: c.9076G>A on transcript NM_005045.4 (MANE Select); coding-DNA position 9076, G replaced by A.
Protein change: p.Val3026Met; replaces valine 3026 with methionine.
Molecular consequence: missense variant.
Genome position (GRCh38, 1-based): chr7:103,496,643, C>T on the plus strand (G>A on the coding strand, the complement: RELN is on the minus strand). VCF-style: chr7-103496643-C-T. GRCh37 (hg19) VCF-style: chr7-103137090-C-T.
Other names: c.9076G>A, p.Val3026Met (NM_173054.3); short protein forms V3026M.
Identifiers: ClinVar variation 949864 (VCV000949864.8), dbSNP rs766037038, ClinGen allele CA4420295.
Genomic context (GRCh38, chr7:103,496,643, plus strand): 5'-TGTTGTCCAGTGCCCACTGAGCACGCTCCACCCCAGAGACCACAATTCCATTGCTGATCA[C>T]AAAAGGCTGCCACCAGCGAAGTCGAGTTGTGTTGGTGAGGGCATCTTCAGGAAGAAGTAT-3'
Protein context (NP_005036.2, residues 3016-3036): TTRLRWWQPF[Val3026Met]ISNGIVVSGV

ClinVar aggregate classification (germline): Uncertain significance. Review status: criteria provided, multiple submitters, no conflicts (2 of 4 stars). 2 submissions from 2 submitters: Uncertain significance (2). Last evaluated 2024-09-20.

Conditions:
Norman-Roberts syndrome (LIS2). Also called: Lissencephaly 2 (Norman-Roberts type). Identifiers: Orphanet 89844, MedGen C0796089, MONDO:0009760, OMIM 257320.
Familial temporal lobe epilepsy 7. Identifiers: Orphanet 101046, MedGen C4225327, MONDO:0014639, OMIM 616436.

Allele frequency attached by ClinVar (database versions not stated): TOPMed 0.00001; ExAC 0.00002; gnomAD exomes 0.00002.
gnomAD v4.1: 11 of 1,614,166 alleles (0.00068%); highest among the groups gnomAD compares: Admixed American, 0.0017%; no homozygotes.

Submissions (2):

Blueprint Genetics
Classification: Uncertain significance. Last evaluated: 2024-09-20. Review status: criteria provided, single submitter. Criteria: ACMG Guidelines, 2015. Collection method: clinical testing. Allele origin: germline.

Labcorp Genetics (formerly Invitae), Labcorp
Classification: Uncertain significance for Familial temporal lobe epilepsy 7; Norman-Roberts syndrome. Last evaluated: 2022-08-31. Review status: criteria provided, single submitter. Criteria: Invitae Variant Classification Sherloc (09022015). Collection method: clinical testing. Allele origin: germline.
Comment: This variant is present in population databases (rs766037038, gnomAD 0.005%). In summary, the available evidence is currently insufficient to determine the role of this variant in disease. Therefore, it has been classified as a Variant of Uncertain Significance. Algorithms developed to predict the effect of missense changes on protein structure and function are either unavailable or do not agree on the potential impact of this missense change (SIFT: "Deleterious"; PolyPhen-2: "Possibly Damaging"; Align-GVGD: "Class C0"). ClinVar contains an entry for this variant (Variation ID: 949864). This variant has not been reported in the literature in individuals affected with RELN-related conditions. This sequence change replaces valine, which is neutral and non-polar, with methionine, which is neutral and non-polar, at codon 3026 of the RELN protein (p.Val3026Met).